The following is an entry in ClinVar:

ClinVar aggregate classification (germline): Benign/Likely benign. Review status: criteria provided, multiple submitters, no conflicts (2 of 4 stars). 10 submissions from 10 submitters: Benign (4); Likely benign (5). 1 of the submissions does not count toward it. Last evaluated 2026-01-26.

Conditions:
TSC2-related disorder. Also called: TSC2-Related Disorders; TSC2-related condition.
Tuberous sclerosis syndrome (TSC). Also called: Tuberous Sclerosis Complex; Tuberous sclerosis. Identifiers: Orphanet 805, MedGen C0041341, MONDO:0001734.
Tuberous sclerosis 2 (TSC2). Identifiers: Orphanet 805, MedGen C1860707, MONDO:0013199, OMIM 613254.
Hereditary cancer-predisposing syndrome. Also called: Neoplastic Syndromes, Hereditary; Hereditary Cancer Syndrome; Tumor predisposition; Hereditary neoplastic syndrome. Identifiers: Orphanet 140162, MedGen C0027672, MeSH D009386, MONDO:0015356.

Allele frequency attached by ClinVar (database versions not stated): ESP Exome Variant Server 0.00031; TOPMed 0.00035; gnomAD 0.00040 and 0.00041; 1000 Genomes Project 0.00120; 1000 Genomes Project 30x 0.00156; gnomAD exomes 0.00014; ExAC 0.00017.
gnomAD v4.1: 151 of 1,613,638 alleles (0.0094%); highest among the groups gnomAD compares: African/African-American, 0.14%; no homozygotes.

Submissions (10):

Labcorp Genetics (formerly Invitae), Labcorp
Classification: Benign for Tuberous sclerosis 2. Last evaluated: 2026-01-26. Review status: criteria provided, single submitter. Criteria: Invitae Variant Classification Sherloc (09022015). Collection method: clinical testing. Allele origin: germline.

Blueprint Genetics
Classification: Likely benign. Last evaluated: 2024-11-11. Review status: criteria provided, single submitter. Criteria: ACMG Guidelines, 2015. Collection method: clinical testing. Allele origin: germline.

Myriad Genetics, Inc.
Classification: Likely benign for Tuberous sclerosis 2. Last evaluated: 2024-08-06. Review status: criteria provided, single submitter. Criteria: Myriad Autosomal Dominant, Autosomal Recessive and X-Linked Classification Criteria (2023). Collection method: clinical testing. Allele origin: unknown.
Comment: This variant is considered likely benign. This variant has been observed at a population frequency that is significantly greater than expected given the associated disease prevalence and penetrance.

Women's Health and Genetics/Laboratory Corporation of America, LabCorp
Classification: Likely benign. Last evaluated: 2024-04-29. Review status: criteria provided, single submitter. Criteria: LabCorp Variant Classification Summary - May 2015. Collection method: clinical testing. Allele origin: germline.

Color Diagnostics, LLC DBA Color Health
Classification: Benign for Tuberous sclerosis syndrome. Last evaluated: 2022-09-26. Review status: criteria provided, single submitter. Criteria: ACMG Guidelines, 2015. Collection method: clinical testing. Allele origin: germline.

Genome-Nilou Lab
Classification: Benign for Tuberous sclerosis 2. Last evaluated: 2021-11-07. Review status: criteria provided, single submitter. Criteria: ACMG Guidelines, 2015. Collection method: clinical testing. Allele origin: germline. Affected: no.

Sema4
Classification: Likely benign for Hereditary cancer-predisposing syndrome. Last evaluated: 2021-04-06. Review status: criteria provided, single submitter. Criteria: Sema4 Curation Guidelines. Collection method: curation. Allele origin: germline.

GeneDx
Classification: Benign. Last evaluated: 2019-10-14. Review status: criteria provided, single submitter. Criteria: GeneDx Variant Classification Process June 2021. Collection method: clinical testing. Allele origin: germline. Affected: yes.

Ambry Genetics
Classification: Likely benign for Hereditary cancer-predisposing syndrome. Last evaluated: 2018-06-25. Review status: criteria provided, single submitter. Criteria: Ambry Variant Classification Scheme 2023. Collection method: clinical testing. Allele origin: germline.

PreventionGenetics, part of Exact Sciences
Classification: Likely benign for TSC2-related condition. Last evaluated: 2022-03-12. Review status: no assertion criteria provided. Collection method: clinical testing. Allele origin: germline. Not counted in ClinVar's aggregate classification.
Comment: This variant is classified as likely benign based on ACMG/AMP sequence variant interpretation guidelines (Richards et al. 2015 PMID: 25741868, with internal and published modifications).

NM_000548.5(TSC2):c.2296G>A (p.Val766Met)

Gene: TSC2 (TSC complex subunit 2; plus strand). Cytogenetic location: 16p13.3.
Variant type: single nucleotide variant.
Coding change: c.2296G>A on transcript NM_000548.5 (MANE Select); coding-DNA position 2296, G replaced by A.
Protein change: p.Val766Met; replaces valine 766 with methionine.
Molecular consequence: missense variant.
Genome position (GRCh38, 1-based): chr16:2,072,924, G>A. VCF-style: chr16-2072924-G-A. GRCh37 (hg19) VCF-style: chr16-2122925-G-A.
Other names: c.2296G>A, p.Val766Met (NM_001077183.3, NM_001114382.3, NM_001363528.2 and 3 more transcripts); c.2185G>A, p.Val729Met (NM_001318827.2); c.2149G>A, p.Val717Met (NM_001318829.2); c.1696G>A, p.Val566Met (NM_001318831.2); c.2329G>A, p.Val777Met (NM_001318832.2); c.2296G>A (NM_000548.4); short protein forms V766M, V717M, V566M, V729M, V777M.
Identifiers: ClinVar variation 237987 (VCV000237987.30), dbSNP rs150672640, ClinGen allele CA038245.